The following is an entry in ClinVar:

ClinVar aggregate classification (germline): Uncertain significance (1 of 4 stars; one submission).

Conditions:
Autosomal recessive ataxia, Beauce type. Also called: SYNE1-Related Autosomal Recessive Cerebellar Ataxia; Spinocerebellar ataxia, autosomal recessive 8; ATAXIA, RECESSIVE, OF BEAUCE; SYNE1 Deficiency. Identifiers: Orphanet 88644, MedGen C1853116, MONDO:0012549, OMIM 610743.
Emery-Dreifuss muscular dystrophy 4, autosomal dominant (EDMD4). Also called: EMERY-DREIFUSS MUSCULAR DYSTROPHY 4 WITH VARIABLE FEATURES. Identifiers: Orphanet 261, MedGen C2751807, MONDO:0013071, OMIM 612998.

gnomAD v4.1: 4 of 1,613,790 alleles (0.00025%); highest among the groups gnomAD compares: African/African-American, 0.0053%; no homozygotes.

Submission:

Labcorp Genetics (formerly Invitae), Labcorp
Classification: Uncertain significance for Emery-Dreifuss muscular dystrophy 4, autosomal dominant; Autosomal recessive ataxia, Beauce type. Last evaluated: 2026-01-07. Review status: criteria provided, single submitter. Criteria: Invitae Variant Classification Sherloc (09022015). Collection method: clinical testing. Allele origin: germline.
Comment: This sequence change replaces alanine, which is neutral and non-polar, with threonine, which is neutral and polar, at codon 7574 of the SYNE1 protein (p.Ala7574Thr). This variant is present in population databases (rs374096807, gnomAD 0.02%). This variant has not been reported in the literature in individuals affected with SYNE1-related conditions. An algorithm developed to predict the effect of missense changes on protein structure and function outputs the following: PolyPhen-2: "Benign". The threonine amino acid residue is found in multiple mammalian species, which suggests that this missense change does not adversely affect protein function. In summary, the available evidence is currently insufficient to determine the role of this variant in disease. Therefore, it has been classified as a Variant of Uncertain Significance.

NM_182961.4(SYNE1):c.22933G>A (p.Ala7645Thr)

Gene: SYNE1 (spectrin repeat containing nuclear envelope protein 1; minus strand). Cytogenetic location: 6q25.2.
Variant type: single nucleotide variant.
Coding change: c.22933G>A on transcript NM_182961.4 (MANE Select); coding-DNA position 22933, G replaced by A.
Protein change: p.Ala7645Thr; replaces alanine 7645 with threonine.
Molecular consequence: missense variant.
Genome position (GRCh38, 1-based): chr6:152,206,254, C>T on the plus strand (G>A on the coding strand, the complement: SYNE1 is on the minus strand). VCF-style: chr6-152206254-C-T. GRCh37 (hg19) VCF-style: chr6-152527389-C-T.
Other names: c.22720G>A, p.Ala7574Thr (NM_033071.5); short protein forms A7645T, A7574T.
Identifiers: ClinVar variation 4782724 (VCV004782724.1).
Genomic context (GRCh38, chr6:152,206,254, plus strand): 5'-TCTGTTCTTCCAGCCGCATGCTGGCTGATTTCCATTTCTCTTGGATTTCAGCGAGTTCGG[C>T]CTGCAAGGCGGCCTCAGCGCCACTGTCCGCCGAGAGAAGGAGTTGCTTGCCAGCCTCCAC-3'
Protein context (NP_892006.3, residues 7635-7655): ADSGAEAALQ[Ala7645Thr]ELAEIQEKWK